The following is an entry in ClinVar:

NM_000135.4(FANCA):c.2976C>G (p.His992Gln)

Gene: FANCA (FA complementation group A; minus strand). Cytogenetic location: 16q24.3.
Variant type: single nucleotide variant.
Coding change: c.2976C>G on transcript NM_000135.4 (MANE Select); coding-DNA position 2976, C replaced by G.
Protein change: p.His992Gln; replaces histidine 992 with glutamine.
Molecular consequence: missense variant.
Genome position (GRCh38, 1-based): chr16:89,758,582, G>C on the plus strand (C>G on the coding strand, the complement: FANCA is on the minus strand). VCF-style: chr16-89758582-G-C. GRCh37 (hg19) VCF-style: chr16-89824990-G-C.
Other names: c.2976C>G, p.His992Gln (NM_001286167.3); c.2976C>G (NM_000135.2); short protein forms H992Q.
Identifiers: ClinVar variation 1441738 (VCV001441738.6), dbSNP rs527882851, ClinGen allele CA397430894.

ClinVar aggregate classification (germline): Uncertain significance. Review status: criteria provided, multiple submitters, no conflicts (2 of 4 stars). 2 submissions from 2 submitters: Uncertain significance (2). Last evaluated 2024-11-22.

Conditions:
Inborn genetic diseases. Identifiers: MedGen C0950123, MeSH D030342.
Fanconi anemia (FA). Also called: Fanconi's anemia. Identifiers: Orphanet 84, MedGen C0015625, MeSH D005199, MONDO:0019391.

gnomAD v4.1: 2 of 1,613,584 alleles (0.00012%); highest among the groups gnomAD compares: Non-Finnish European, 0.00017%; no homozygotes.

Submissions (2):

Ambry Genetics
Classification: Uncertain significance for Inborn genetic diseases. Last evaluated: 2024-11-22. Review status: criteria provided, single submitter. Criteria: Ambry Variant Classification Scheme 2023. Collection method: clinical testing. Allele origin: germline.
Comment: The p.H992Q variant (also known as c.2976C>G), located in coding exon 30 of the FANCA gene, results from a C to G substitution at nucleotide position 2976. The histidine at codon 992 is replaced by glutamine, an amino acid with highly similar properties. This amino acid position is conserved. In addition, this alteration is predicted to be tolerated by in silico analysis. Based on the available evidence, the clinical significance of this variant remains unclear.

Labcorp Genetics (formerly Invitae), Labcorp
Classification: Uncertain significance for Fanconi anemia. Last evaluated: 2021-11-05. Review status: criteria provided, single submitter. Criteria: Invitae Variant Classification Sherloc (09022015). Collection method: clinical testing. Allele origin: germline.
Comment: In summary, the available evidence is currently insufficient to determine the role of this variant in disease. Therefore, it has been classified as a Variant of Uncertain Significance. Algorithms developed to predict the effect of sequence changes on RNA splicing suggest that this variant may create or strengthen a splice site. Advanced modeling of protein sequence and biophysical properties (such as structural, functional, and spatial information, amino acid conservation, physicochemical variation, residue mobility, and thermodynamic stability) performed at Invitae indicates that this missense variant is not expected to disrupt FANCA protein function. This variant has not been reported in the literature in individuals affected with FANCA-related conditions. This variant is present in population databases (no rsID available, gnomAD 0.0009%). This sequence change replaces histidine, which is basic and polar, with glutamine, which is neutral and polar, at codon 992 of the FANCA protein (p.His992Gln).